The following is an entry in ClinVar:

ClinVar aggregate classification (germline): Likely benign (1 of 4 stars; one submission).

gnomAD v4.1: 32 of 398,444 alleles (0.008%); highest among the groups gnomAD compares: Middle Eastern, 0.13%; 1 homozygote.

Submission:

CeGaT Center for Human Genetics Tuebingen
Classification: Likely benign. Last evaluated: 2026-01-01. Review status: criteria provided, single submitter. Criteria: CeGaT Center For Human Genetics Tuebingen Variant Classification Criteria Version 2. Collection method: clinical testing. Allele origin: germline. Affected: yes. Observed: 1 variant allele.
Comment: KCNQ1OT1: BS2

NM_000218.3(KCNQ1):c.1394-32668T>C

Genes: KCNQ1 (potassium voltage-gated channel subfamily Q member 1; plus strand), KCNQ1OT1 (KCNQ1 opposite strand/antisense transcript 1; minus strand). Cytogenetic location: 11p15.5.
Variant type: single nucleotide variant.
Coding change: c.1394-32668T>C on transcript NM_000218.3 (MANE Select); 32668 bases into the intron before coding-DNA position 1394, T replaced by C.
Molecular consequence: intron variant. On other transcripts: non-coding transcript variant (1).
Genome position (GRCh38, 1-based): chr11:2,629,293, T>C. VCF-style: chr11-2629293-T-C. GRCh37 (hg19) VCF-style: chr11-2650523-T-C.
Other names: c.1124-32668T>C (NM_001406837.1); c.1298-32668T>C (NM_001406836.1); c.854-32668T>C (NM_001406838.1); c.1013-32668T>C (NM_181798.2).
Identifiers: ClinVar variation 4822354 (VCV004822354.4).